The following is an entry in ClinVar:

NM_001365276.2(TNXB):c.9242T>C (p.Met3081Thr)

Gene: TNXB (tenascin XB; minus strand). Cytogenetic location: 6p21.33.
Variant type: single nucleotide variant.
Coding change: c.9242T>C on transcript NM_001365276.2 (MANE Select); coding-DNA position 9242, T replaced by C.
Protein change: p.Met3081Thr; replaces methionine 3081 with threonine.
Molecular consequence: missense variant.
Genome position (GRCh38, 1-based): chr6:32,050,195, A>G on the plus strand (T>C on the coding strand, the complement: TNXB is on the minus strand). VCF-style: chr6-32050195-A-G. GRCh37 (hg19) VCF-style: chr6-32017972-A-G.
Other names: c.9236T>C, p.Met3079Thr (NM_019105.8); short protein forms M3079T, M3081T.
Identifiers: ClinVar variation 1766274 (VCV001766274.3), dbSNP rs774375168, ClinGen allele CA3733588.

ClinVar aggregate classification (germline): Conflicting classifications of pathogenicity. Review status: criteria provided, conflicting classifications (1 of 4 stars). 2 submissions from 2 submitters: Uncertain significance (1); Likely benign (1). Last evaluated 2023-05-23.

Conditions:
Cardiovascular phenotype. Identifiers: MedGen CN230736.

Allele frequency attached by ClinVar (database versions not stated): gnomAD exomes 0.00003; TOPMed 0.00006; ExAC 0.00002.
gnomAD v4.1: 55 of 1,613,662 alleles (0.0034%); highest among the groups gnomAD compares: African/African-American, 0.019%; no homozygotes.

Submissions (2):

GeneDx
Classification: Uncertain significance. Last evaluated: 2023-05-23. Review status: criteria provided, single submitter. Criteria: GeneDx Variant Classification Process June 2021. Collection method: clinical testing. Allele origin: germline. Affected: yes.
Comment: Has not been previously published as pathogenic or benign to our knowledge; Not observed at significant frequency in large population cohorts (gnomAD); In silico analysis supports that this missense variant does not alter protein structure/function

Ambry Genetics
Classification: Likely benign for Cardiovascular phenotype. Last evaluated: 2022-05-06. Review status: criteria provided, single submitter. Criteria: Ambry Variant Classification Scheme 2023. Collection method: clinical testing. Allele origin: germline.